The following is an entry in ClinVar:

NM_000515.5(GH1):c.517G>C (p.Asp173His)

Genes: GH-LCR (growth hormone locus control region; plus strand), GH1 (growth hormone 1; minus strand). Cytogenetic location: 17q23.3.
Variant type: single nucleotide variant.
Coding change: c.517G>C on transcript NM_000515.5 (MANE Select); coding-DNA position 517, G replaced by C.
Protein change: p.Asp173His; replaces aspartic acid 173 with histidine.
Molecular consequence: missense variant.
Genome position (GRCh38, 1-based): chr17:63,917,446, C>G on the plus strand (G>C on the coding strand, the complement: GH1 is on the minus strand). VCF-style: chr17-63917446-C-G. GRCh37 (hg19) VCF-style: chr17-61994806-C-G.
Other names: c.472G>C, p.Asp158His (NM_022559.4); c.397G>C, p.Asp133His (NM_022560.4); short protein forms D133H, D158H, D173H.
Identifiers: ClinVar variation 2576722 (VCV002576722.3), dbSNP rs780941513, ClinGen allele CA400610860.

ClinVar aggregate classification (germline): Uncertain significance. Review status: criteria provided, multiple submitters, no conflicts (2 of 4 stars). 2 submissions from 2 submitters: Uncertain significance (2). Last evaluated 2025-04-01.

Submissions (2):

Labcorp Genetics (formerly Invitae), Labcorp
Classification: Uncertain significance. Last evaluated: 2025-04-01. Review status: criteria provided, single submitter. Criteria: Invitae Variant Classification Sherloc (09022015). Collection method: clinical testing. Allele origin: germline.
Comment: This sequence change replaces aspartic acid, which is acidic and polar, with histidine, which is basic and polar, at codon 173 of the GH1 protein (p.Asp173His). This variant is not present in population databases (gnomAD no frequency). This variant has not been reported in the literature in individuals affected with GH1-related conditions. ClinVar contains an entry for this variant (Variation ID: 2576722). An algorithm developed to predict the effect of missense changes on protein structure and function (PolyPhen-2) suggests that this variant is likely to be disruptive. In summary, the available evidence is currently insufficient to determine the role of this variant in disease. Therefore, it has been classified as a Variant of Uncertain Significance.

GeneDx
Classification: Uncertain significance. Last evaluated: 2023-02-20. Review status: criteria provided, single submitter. Criteria: GeneDx Variant Classification Process June 2021. Collection method: clinical testing. Allele origin: germline. Affected: yes.
Comment: Not observed at significant frequency in large population cohorts (gnomAD); In silico analysis supports that this missense variant has a deleterious effect on protein structure/function; Has not been previously published as pathogenic or benign to our knowledge